The following is an entry in ClinVar:

NM_001122764.3(PPOX):c.349C>T (p.Arg117Cys)

Gene: PPOX (protoporphyrinogen oxidase; plus strand). Cytogenetic location: 1q23.3.
Variant type: single nucleotide variant.
Coding change: c.349C>T on transcript NM_001122764.3 (MANE Select); coding-DNA position 349, C replaced by T.
Protein change: p.Arg117Cys; replaces arginine 117 with cysteine.
Molecular consequence: missense variant. On other transcripts: 5 prime UTR variant (4), intron variant (2).
Genome position (GRCh38, 1-based): chr1:161,168,005, C>T. VCF-style: chr1-161168005-C-T. GRCh37 (hg19) VCF-style: chr1-161137795-C-T.
Other names: c.349C>T, p.Arg117Cys (NM_000309.5, NM_001365398.1, NM_001365399.1); c.-79C>T (NM_001350129.2, NM_001365400.1); c.-138C>T (NM_001350130.2, NM_001365401.1); c.354-408C>T (NM_001350128.2); c.-34-408C>T (NM_001350131.2); short protein forms R117C.
Identifiers: ClinVar variation 874256 (VCV000874256.5), dbSNP rs190919484, ClinGen allele CA1207126.

ClinVar aggregate classification (germline): Conflicting classifications of pathogenicity. Review status: criteria provided, conflicting classifications (1 of 4 stars). 2 submissions from 2 submitters: Uncertain significance (1); Likely benign (1). Last evaluated 2026-07-01.

Conditions:
Variegate porphyria (VP). Also called: PORPHYRIA, SOUTH AFRICAN TYPE; PROTOPORPHYRINOGEN OXIDASE DEFICIENCY; PPOX DEFICIENCY. Identifiers: Orphanet 79473, MedGen C0162532, MONDO:0008297, OMIM 176200.

Allele frequency attached by ClinVar (database versions not stated): TOPMed 0.00003; gnomAD exomes 0.00028 and 0.00068; 1000 Genomes Project 30x 0.00031; 1000 Genomes Project 0.00040; ExAC 0.00053; gnomAD 0.00064 and 0.00067.
gnomAD v4.1: 494 of 1,614,184 alleles (0.031%); highest among the groups gnomAD compares: Non-Finnish European, 0.0019%; 3 homozygotes.

Submissions (2):

CeGaT Center for Human Genetics Tuebingen
Classification: Likely benign. Last evaluated: 2026-07-01. Review status: criteria provided, single submitter. Criteria: CeGaT Center For Human Genetics Tuebingen Variant Classification Criteria Version 2. Collection method: clinical testing. Allele origin: germline. Affected: yes. Observed: 1 variant allele.
Comment: PPOX: PM5, BS2

Illumina Laboratory Services, Illumina
Classification: Uncertain significance for Variegate porphyria. Last evaluated: 2018-01-13. Review status: criteria provided, single submitter. Criteria: ICSL Variant Classification Criteria 13 December 2019. Collection method: clinical testing. Allele origin: germline.